The following is an entry in ClinVar:

ClinVar aggregate classification (germline): Uncertain significance (1 of 4 stars; one submission).

Conditions:
Monocytopenia with susceptibility to infections. Also called: IMMUNODEFICIENCY 21; GATA2 DEFICIENCY; MONOCYTOPENIA AND MYCOBACTERIAL INFECTION SYNDROME; MONOCYTOPENIA WITH SUSCEPTIBILITY TO MYCOBACTERIAL, FUNGAL, AND PAPILLOMAVIRUS INFECTIONS AND MYELODYSPLASIA; COMBINED IMMUNODEFICIENCY WITH SUSCEPTIBILITY TO MYCOBACTERIAL, VIRAL, AND FUNGAL INFECTIONS; Dendritic cell, monocyte, B lymphocyte, and natural killer lymphocyte deficiency. Identifiers: Orphanet 228423, MedGen C3280030, MONDO:0013607, OMIM 614172.
Deafness-lymphedema-leukemia syndrome. Also called: Emberger syndrome; Lymphedema, primary, with myelodysplasia. Identifiers: Orphanet 3226, MedGen C3279664, MONDO:0013540, OMIM 614038.

Allele frequency attached by ClinVar (database versions not stated): gnomAD exomes below 0.00001.
gnomAD v4.1: 3 of 1,594,276 alleles (0.00019%); highest among the groups gnomAD compares: South Asian, 0.0034%; no homozygotes.

Submission:

Labcorp Genetics (formerly Invitae), Labcorp
Classification: Uncertain significance for Monocytopenia with susceptibility to infections; Deafness-lymphedema-leukemia syndrome. Last evaluated: 2025-02-09. Review status: criteria provided, single submitter. Criteria: Invitae Variant Classification Sherloc (09022015). Collection method: clinical testing. Allele origin: germline.
Comment: This sequence change replaces histidine, which is basic and polar, with tyrosine, which is neutral and polar, at codon 471 of the GATA2 protein (p.His471Tyr). This variant is not present in population databases (gnomAD no frequency). This variant has not been reported in the literature in individuals affected with GATA2-related conditions. ClinVar contains an entry for this variant (Variation ID: 938799). Invitae Evidence Modeling of protein sequence and biophysical properties (such as structural, functional, and spatial information, amino acid conservation, physicochemical variation, residue mobility, and thermodynamic stability) has been performed for this missense variant. However, the output from this modeling did not meet the statistical confidence thresholds required to predict the impact of this variant on GATA2 protein function. In summary, the available evidence is currently insufficient to determine the role of this variant in disease. Therefore, it has been classified as a Variant of Uncertain Significance.

NM_032638.5(GATA2):c.1411C>T (p.His471Tyr)

Gene: GATA2 (GATA binding protein 2; minus strand). Cytogenetic location: 3q21.3.
Variant type: single nucleotide variant.
Coding change: c.1411C>T on transcript NM_032638.5 (MANE Select); coding-DNA position 1411, C replaced by T.
Protein change: p.His471Tyr; replaces histidine 471 with tyrosine.
Molecular consequence: missense variant.
Genome position (GRCh38, 1-based): chr3:128,481,051, G>A on the plus strand (C>T on the coding strand, the complement: GATA2 is on the minus strand). VCF-style: chr3-128481051-G-A. GRCh37 (hg19) VCF-style: chr3-128199894-G-A.
Other names: c.1411C>T, p.His471Tyr (NM_001145661.2); c.1369C>T, p.His457Tyr (NM_001145662.1); short protein forms H457Y, H471Y.
Identifiers: ClinVar variation 938799 (VCV000938799.9), dbSNP rs2068619997, ClinGen allele CA354412474.